The following is an entry in ClinVar:

ClinVar aggregate classification (germline): Uncertain significance (1 of 4 stars; one submission).

Conditions:
Inborn genetic diseases. Identifiers: MedGen C0950123, MeSH D030342.

Submission:

Ambry Genetics
Classification: Uncertain significance for Inborn genetic diseases. Last evaluated: 2024-12-25. Review status: criteria provided, single submitter. Criteria: Ambry Variant Classification Scheme 2023. Collection method: clinical testing. Allele origin: germline.
Comment: The p.E1243D variant (also known as c.3729G>T), located in coding exon 25 of the ANKRD26 gene, results from a G to T substitution at nucleotide position 3729. The glutamic acid at codon 1243 is replaced by aspartic acid, an amino acid with highly similar properties. This amino acid position is conserved. In addition, this alteration is predicted to be tolerated by in silico analysis. Based on the available evidence, the clinical significance of this variant remains unclear.

NM_014915.3(ANKRD26):c.3729G>T (p.Glu1243Asp)

Gene: ANKRD26 (ankyrin repeat domain containing 26; minus strand). Cytogenetic location: 10p12.1.
Variant type: single nucleotide variant.
Coding change: c.3729G>T on transcript NM_014915.3 (MANE Select); coding-DNA position 3729, G replaced by T.
Protein change: p.Glu1243Asp; replaces glutamic acid 1243 with aspartic acid.
Molecular consequence: missense variant.
Genome position (GRCh38, 1-based): chr10:27,033,303, C>A on the plus strand (G>T on the coding strand, the complement: ANKRD26 is on the minus strand). VCF-style: chr10-27033303-C-A. GRCh37 (hg19) VCF-style: chr10-27322232-C-A.
Other names: c.3726G>T, p.Glu1242Asp (NM_001256053.2); short protein forms E1243D, E1242D.
Identifiers: ClinVar variation 3869714 (VCV003869714.1).
Genomic context (GRCh38, chr10:27,033,303, plus strand): 5'-TAATTTCTTCTTTAAATCCTGTGTCTCATCTTCTAAATTAATACGATAACGTGACGTAAC[C>A]TCCAGTGAAGCCTCTGACATAGATTGTTTTTTTAGGGTATCAGCTAGTTCTTGTTGAAGT-3'
Protein context (NP_055730.2, residues 1233-1253): KKQSMSEASL[Glu1243Asp]VTSRYRINLE